The following is an entry in ClinVar:

NM_000059.4(BRCA2):c.9005A>G (p.Glu3002Gly)

Gene: BRCA2 (BRCA2 DNA repair associated; plus strand). Cytogenetic location: 13q13.1.
Variant type: single nucleotide variant.
Coding change: c.9005A>G on transcript NM_000059.4 (MANE Select); coding-DNA position 9005, A replaced by G.
Protein change: p.Glu3002Gly; replaces glutamic acid 3002 with glycine.
Molecular consequence: missense variant.
Genome position (GRCh38, 1-based): chr13:32,379,801, A>G. VCF-style: chr13-32379801-A-G. GRCh37 (hg19) VCF-style: chr13-32953938-A-G.
Other names: short protein forms E3002G.
Identifiers: ClinVar variation 479379 (VCV000479379.7), dbSNP rs1555288459, ClinGen allele CA387757453.

ClinVar aggregate classification (germline): Conflicting classifications of pathogenicity. Review status: criteria provided, conflicting classifications (1 of 4 stars). 2 submissions from 2 submitters: Likely pathogenic (1); Uncertain significance (1). Last evaluated 2024-10-30.

Conditions:
Hereditary breast ovarian cancer syndrome. Also called: Hereditary breast and ovarian cancer syndrome (HBOC); Hereditary breast and ovarian cancer syndrome; Breast and ovarian cancer; BRCA1- and BRCA2-Associated Hereditary Breast and Ovarian Cancer; Hereditary breast and ovarian cancer; Hereditary breast and/or ovarian cancer syndrome. Identifiers: Orphanet 145, MedGen C0677776, MeSH D061325, MONDO:0003582. Disease mechanism: loss of function.
Hereditary cancer-predisposing syndrome. Also called: Neoplastic Syndromes, Hereditary; Hereditary Cancer Syndrome; Hereditary neoplastic syndrome; Tumor predisposition. Identifiers: Orphanet 140162, MedGen C0027672, MeSH D009386, MONDO:0015356.

Submissions (2):

Labcorp Genetics (formerly Invitae), Labcorp
Classification: Uncertain significance for Hereditary breast ovarian cancer syndrome. Last evaluated: 2024-10-30. Review status: criteria provided, single submitter. Criteria: Invitae Variant Classification Sherloc (09022015). Collection method: clinical testing. Allele origin: germline.
Comment: This sequence change replaces glutamic acid, which is acidic and polar, with glycine, which is neutral and non-polar, at codon 3002 of the BRCA2 protein (p.Glu3002Gly). This variant is not present in population databases (gnomAD no frequency). This variant has not been reported in the literature in individuals affected with BRCA2-related conditions. ClinVar contains an entry for this variant (Variation ID: 479379). Invitae Evidence Modeling of protein sequence and biophysical properties (such as structural, functional, and spatial information, amino acid conservation, physicochemical variation, residue mobility, and thermodynamic stability) has been performed for this missense variant. However, the output from this modeling did not meet the statistical confidence thresholds required to predict the impact of this variant on BRCA2 protein function. Algorithms developed to predict the effect of sequence changes on RNA splicing suggest that this variant may disrupt the consensus splice site. In summary, the available evidence is currently insufficient to determine the role of this variant in disease. Therefore, it has been classified as a Variant of Uncertain Significance.

Ambry Genetics
Classification: Likely pathogenic for Hereditary cancer-predisposing syndrome. Last evaluated: 2022-01-11. Review status: criteria provided, single submitter. Criteria: Ambry Variant Classification Scheme 2023. Collection method: clinical testing. Allele origin: germline.
Comment: The p.E3002G variant (also known as c.9005A>G), located in coding exon 22 of the BRCA2 gene, results from an A to G substitution at nucleotide position 9005. The glutamic acid at codon 3002 is replaced by glycine, an amino acid with similar properties. This alteration was non-functional in a homology directed DNA repair assay (Ambry internal data). This amino acid position is highly conserved in available vertebrate species. This alteration is also predicted to destabilize the local structure and disrupt the protein binding ability of BRCA2 (Yang H et al. Science 2002 Sep;297:1837-48; Marston NJ et al. Mol. Cell. Biol. 1999 Jul;19:4633-42; Ambry internal data). In addition, the in silico prediction for this alteration is inconclusive. Based on the majority of available evidence to date, this variant is likely to be pathogenic.